The following is an entry in ClinVar:

NM_080632.3(UPF3B):c.1139A>G (p.Tyr380Cys)

Gene: UPF3B (UPF3B regulator of nonsense mediated mRNA decay; minus strand). Cytogenetic location: Xq24.
Variant type: single nucleotide variant.
Coding change: c.1139A>G on transcript NM_080632.3 (MANE Select); coding-DNA position 1139, A replaced by G.
Protein change: p.Tyr380Cys; replaces tyrosine 380 with cysteine.
Molecular consequence: missense variant.
Genome position (GRCh38, 1-based): chrX:119,837,920, T>C on the plus strand (A>G on the coding strand, the complement: UPF3B is on the minus strand). VCF-style: chrX-119837920-T-C. GRCh37 (hg19) VCF-style: chrX-118971883-T-C.
Other names: c.1100A>G, p.Tyr367Cys (NM_023010.4); short protein forms Y367C, Y380C.
Identifiers: ClinVar variation 3573677 (VCV003573677.1).
Genomic context (GRCh38, chrX:119,837,920, plus strand): 5'-AGTGTGTCTTTCTCTTTTTTCATTTCTTCTTCTTTTCTCTTAAAAGTCTTCTCTTTCTCA[T>C]AGCGCTCCTTCTGCCTACGGCGCTCTTCTTCTTGCCGCTTCAGCCTCTCTCTTTCTCGAA-3'
Protein context (NP_542199.1, residues 370-390): EEERRRQKER[Tyr380Cys]EKEKTFKRKE

ClinVar aggregate classification (germline): Uncertain significance (1 of 4 stars; one submission).

Submission:

GeneDx
Classification: Uncertain significance. Last evaluated: 2024-07-10. Review status: criteria provided, single submitter. Criteria: GeneDx Variant Classification Process June 2021. Collection method: clinical testing. Allele origin: germline. Affected: yes.
Comment: Not observed at significant frequency in large population cohorts (gnomAD); In silico analysis supports that this missense variant has a deleterious effect on protein structure/function; Has not been previously published as pathogenic or benign to our knowledge